The following is an entry in ClinVar:

NM_001458.5(FLNC):c.7327del (p.Arg2443fs)

Genes: FLNC (filamin C; plus strand), FLNC-AS1 (FLNC antisense RNA 1; minus strand). Cytogenetic location: 7q32.1.
Variant type: Deletion.
Coding change: c.7327del on transcript NM_001458.5 (MANE Select); coding-DNA position 7327, one base deleted (C; older notation c.7327delC).
Protein change: p.Arg2443fs; shifts the reading frame from arginine 2443.
Molecular consequence: frameshift variant.
Genome position (GRCh38, 1-based): chr7:128,856,593, C deleted; the last of 3 consecutive C bases (chr7:128,856,591-128,856,593); deleting any one gives the same sequence. VCF-style (leftmost placement, unchanged base first): chr7-128856590-GC-G. GRCh37 (hg19) VCF-style: chr7-128496644-GC-G.
Other names: c.7228del, p.Arg2410fs (NM_001127487.2); short protein forms R2410fs, R2443fs.
Identifiers: ClinVar variation 1758338 (VCV001758338.2), dbSNP rs2536669667, ClinGen allele CA2580076581.

ClinVar aggregate classification (germline): Pathogenic (1 of 4 stars; one submission).

Conditions:
Cardiovascular phenotype. Identifiers: MedGen CN230736.

Submission:

Ambry Genetics
Classification: Pathogenic for Cardiovascular phenotype. Last evaluated: 2021-07-07. Review status: criteria provided, single submitter. Criteria: Ambry Variant Classification Scheme 2023. Collection method: clinical testing. Allele origin: germline.
Comment: The c.7327delC pathogenic mutation, located in coding exon 44 of the FLNC gene, results from a deletion of one nucleotide at nucleotide position 7327, causing a translational frameshift with a predicted alternate stop codon (p.R2443Gfs*86). This alteration is expected to result in loss of function by premature protein truncation or nonsense-mediated mRNA decay. As such, this alteration is interpreted as a disease-causing mutation.